The following is an entry in ClinVar:

NM_005555.4(KRT6B):c.1387G>A (p.Ala463Thr)

Gene: KRT6B (keratin 6B; minus strand). Cytogenetic location: 12q13.13.
Variant type: single nucleotide variant.
Coding change: c.1387G>A on transcript NM_005555.4 (MANE Select); coding-DNA position 1387, G replaced by A.
Protein change: p.Ala463Thr; replaces alanine 463 with threonine.
Molecular consequence: missense variant.
Genome position (GRCh38, 1-based): chr12:52,447,815, C>T on the plus strand (G>A on the coding strand, the complement: KRT6B is on the minus strand). VCF-style: chr12-52447815-C-T. GRCh37 (hg19) VCF-style: chr12-52841599-C-T.
Other names: short protein forms A463T.
Identifiers: ClinVar variation 2056680 (VCV002056680.4), dbSNP rs772103229, ClinGen allele CA6580428.

ClinVar aggregate classification (germline): Uncertain significance (1 of 4 stars; one submission).

gnomAD v4.1: 48 of 1,613,970 alleles (0.003%); highest among the groups gnomAD compares: Admixed American, 0.022%; no homozygotes.

Submission:

Labcorp Genetics (formerly Invitae), Labcorp
Classification: Uncertain significance. Last evaluated: 2022-03-15. Review status: criteria provided, single submitter. Criteria: Invitae Variant Classification Sherloc (09022015). Collection method: clinical testing. Allele origin: germline.
Comment: This sequence change replaces alanine, which is neutral and non-polar, with threonine, which is neutral and polar, at codon 463 of the KRT6B protein (p.Ala463Thr). This variant is present in population databases (rs772103229, gnomAD 0.03%), and has an allele count higher than expected for a pathogenic variant. This variant has not been reported in the literature in individuals affected with KRT6B-related conditions. Advanced modeling of protein sequence and biophysical properties (such as structural, functional, and spatial information, amino acid conservation, physicochemical variation, residue mobility, and thermodynamic stability) performed at Invitae indicates that this missense variant is expected to disrupt KRT6B protein function. In summary, the available evidence is currently insufficient to determine the role of this variant in disease. Therefore, it has been classified as a Variant of Uncertain Significance.